The following is an entry in ClinVar:

NM_000137.4(FAH):c.181G>T (p.Val61Phe)

Gene: FAH (fumarylacetoacetate hydrolase; plus strand). Cytogenetic location: 15q25.1.
Variant type: single nucleotide variant.
Coding change: c.181G>T on transcript NM_000137.4 (MANE Select); coding-DNA position 181, G replaced by T.
Protein change: p.Val61Phe; replaces valine 61 with phenylalanine.
Molecular consequence: missense variant.
Genome position (GRCh38, 1-based): chr15:80,158,159, G>T. VCF-style: chr15-80158159-G-T. GRCh37 (hg19) VCF-style: chr15-80450501-G-T.
Other names: p.Val61Phe; c.181G>T, p.Val61Phe (NM_001374377.1, NM_001374380.1); short protein forms V61F.
Identifiers: ClinVar variation 697515 (VCV000697515.19), dbSNP rs151264725, ClinGen allele CA7691038.
Genomic context (GRCh38, chr15:80,158,159, plus strand): 5'-CTGGACCTCAGCATCATCAAGCACCTCTTTACTGGTCCTGTCCTCTCCAAACACCAGGAT[G>T]TCTTCAATCAGGTAGGACATTGTGAAACGACTTGTCCCTGACCTCAGTGGCACTTACTGT-3'
Protein context (NP_000128.1, residues 51-71): TGPVLSKHQD[Val61Phe]FNQPTLNSFM

ClinVar aggregate classification (germline): Benign/Likely benign. Review status: criteria provided, multiple submitters, no conflicts (2 of 4 stars). 6 submissions from 6 submitters: Benign (1); Likely benign (2). 3 of the submissions do not count toward it. Last evaluated 2026-01-22.

Conditions:
Tyrosinemia type I (TYRSN1). Also called: Tyrosinemia type 1; Fumarylacetoacetase deficiency; Deficiency of fumarylacetoacetase; HEPATORENAL TYROSINEMIA; FAH DEFICIENCY. Identifiers: Orphanet 882, MedGen C0268490, MONDO:0010161, OMIM 276700. Disease mechanism: loss of function.

Allele frequency attached by ClinVar (database versions not stated): gnomAD 0.00053 and 0.00068; TOPMed 0.00087; ExAC 0.00119; gnomAD exomes 0.00142; 1000 Genomes Project 30x 0.00203; 1000 Genomes Project 0.00240.
gnomAD v4.1: 697 of 1,612,050 alleles (0.043%); highest among the groups gnomAD compares: East Asian, 1.4%; 7 homozygotes.

Submissions (7):

Labcorp Genetics (formerly Invitae), Labcorp
Classification: Benign for Tyrosinemia type I. Last evaluated: 2026-01-22. Review status: criteria provided, single submitter. Criteria: Invitae Variant Classification Sherloc (09022015). Collection method: clinical testing. Allele origin: germline.

Mayo Clinic Laboratories, Mayo Clinic
Classification: Likely benign. Last evaluated: 2025-01-27. Review status: criteria provided, single submitter. Criteria: ACMG Guidelines, 2015. Collection method: clinical testing. Allele origin: germline. Observed: 2 variant alleles.
Comment: BS1, BS2, PP3_moderate

Illumina Laboratory Services, Illumina
Classification: Likely benign for Tyrosinemia type I. Last evaluated: 2018-01-12. Review status: criteria provided, single submitter. Criteria: ICSL Variant Classification Criteria 13 December 2019. Collection method: clinical testing. Allele origin: germline.
Comment: This variant was observed in the ICSL laboratory as part of a predisposition screen in an ostensibly healthy population. It had not been previously curated by ICSL or reported in the Human Gene Mutation Database (HGMD: prior to June 1st, 2018), and was therefore a candidate for classification through an automated scoring system. Utilizing variant allele frequency, disease prevalence and penetrance estimates, and inheritance mode, an automated score was calculated to assess if this variant is too frequent to cause the disease. Based on the score and internal cut-off values, a variant classified as likely benign is not then subjected to further curation. The score for this variant resulted in a classification of likely benign for this disease.

Natera, Inc.
Classification: Benign for Tyrosinemia type I. Last evaluated: 2020-06-01. Review status: no assertion criteria provided. Collection method: clinical testing. Allele origin: germline. Not counted in ClinVar's aggregate classification.

Clinical Genetics DNA and cytogenetics Diagnostics Lab, Erasmus MC, Erasmus Medical Center
Classification: Benign. Review status: no assertion criteria provided. Collection method: clinical testing. Allele origin: germline. Affected: yes. Study: VKGL Data-share Consensus. Not counted in ClinVar's aggregate classification.

Dr. Peter K. Rogan Lab, Western University
No classification provided (evidence only). Condition: Thymoma. Review status: no classification provided. Collection method: in vitro. Allele origin: not applicable. Functional consequence: retained intron. Not counted in ClinVar's aggregate classification.

Laboratory of Diagnostic Genome Analysis, Leiden University Medical Center (LUMC)
Classification: Likely benign. Review status: no assertion criteria provided. Collection method: clinical testing. Allele origin: germline. Affected: yes. Study: VKGL Data-share Consensus. Not counted in ClinVar's aggregate classification.

Literature cited by the submitters: PubMed 28835676 (cited by Mayo Clinic Laboratories, Mayo Clinic); PubMed 31738409 (cited by Mayo Clinic Laboratories, Mayo Clinic).